The following is an entry in ClinVar:

NM_000127.3(EXT1):c.1723-1G>A

Gene: EXT1 (exostosin glycosyltransferase 1; minus strand). Cytogenetic location: 8q24.11.
Variant type: single nucleotide variant.
Coding change: c.1723-1G>A on transcript NM_000127.3 (MANE Select); the canonical splice acceptor site of the intron before coding-DNA position 1723, G replaced by A.
Molecular consequence: splice acceptor variant.
Genome position (GRCh38, 1-based): chr8:117,807,378, C>T on the plus strand (G>A on the coding strand, the complement: EXT1 is on the minus strand). VCF-style: chr8-117807378-C-T. GRCh37 (hg19) VCF-style: chr8-118819617-C-T.
Identifiers: ClinVar variation 3337084 (VCV003337084.2).

ClinVar aggregate classification (germline): Pathogenic. Review status: criteria provided, multiple submitters, no conflicts (2 of 4 stars). 2 submissions from 2 submitters: Pathogenic (2). Last evaluated 2025-08-28.

Conditions:
Multiple congenital exostosis (EXT). Also called: MULTIPLE CARTILAGINOUS EXOSTOSES; Multiple osteochondromas; Hereditary multiple osteochondromas; Multiple exostoses; Hereditary multiple exostoses; Hereditary multiple exostosis. Identifiers: Orphanet 321, MedGen C0015306, MONDO:0005508, HP:0002762.

Submissions (2):

Labcorp Genetics (formerly Invitae), Labcorp
Classification: Pathogenic for Multiple congenital exostosis. Last evaluated: 2025-08-28. Review status: criteria provided, single submitter. Criteria: Invitae Variant Classification Sherloc (09022015). Collection method: clinical testing. Allele origin: germline.
Comment: This sequence change affects an acceptor splice site in intron 8 of the EXT1 gene. It is expected to disrupt RNA splicing. Variants that disrupt the donor or acceptor splice site typically lead to a loss of protein function (PMID: 16199547), and loss-of-function variants in EXT1 are known to be pathogenic (PMID: 10679937, 11391482, 19810120). This variant is not present in population databases (gnomAD no frequency). Disruption of this splice site has been observed in individual(s) with hereditary multiple osteochondromas (PMID: 18165274, 30334991). ClinVar contains an entry for this variant (Variation ID: 3337084). Algorithms developed to predict the effect of sequence changes on RNA splicing suggest that this variant may disrupt the consensus splice site. For these reasons, this variant has been classified as Pathogenic.

Clinical Genetics Laboratory, Skane University Hospital Lund
Classification: Pathogenic. Last evaluated: 2023-04-13. Review status: criteria provided, single submitter. Criteria: ACMG Guidelines, 2015. Collection method: clinical testing. Allele origin: germline. Affected: yes.

Literature cited by the submitters: PubMed 16199547 (cited by Labcorp Genetics (formerly Invitae), Labcorp); PubMed 10679937 (cited by Labcorp Genetics (formerly Invitae), Labcorp); PubMed 11391482 (cited by Labcorp Genetics (formerly Invitae), Labcorp); PubMed 19810120 (cited by Labcorp Genetics (formerly Invitae), Labcorp); PubMed 18165274 (cited by Labcorp Genetics (formerly Invitae), Labcorp); PubMed 30334991 (cited by Labcorp Genetics (formerly Invitae), Labcorp).